The following is an entry in ClinVar:

NM_005633.4(SOS1):c.1630T>A (p.Leu544Ile)

Gene: SOS1 (SOS Ras/Rac guanine nucleotide exchange factor 1; minus strand). Cytogenetic location: 2p22.1.
Variant type: single nucleotide variant.
Coding change: c.1630T>A on transcript NM_005633.4 (MANE Select); coding-DNA position 1630, T replaced by A.
Protein change: p.Leu544Ile; replaces leucine 544 with isoleucine.
Molecular consequence: missense variant.
Genome position (GRCh38, 1-based): chr2:39,022,798, A>T on the plus strand (T>A on the coding strand, the complement: SOS1 is on the minus strand). VCF-style: chr2-39022798-A-T. GRCh37 (hg19) VCF-style: chr2-39249939-A-T.
Other names: c.1609T>A, p.Leu537Ile (NM_001382394.1); c.1630T>A, p.Leu544Ile (NM_001382395.1); short protein forms L537I, L544I.
Identifiers: ClinVar variation 4747104 (VCV004747104.1).

ClinVar aggregate classification (germline): Uncertain significance (1 of 4 stars; one submission).

Conditions:
RASopathy. Also called: Noonan spectrum disorder; rasopathies. Identifiers: Orphanet 536391, MedGen C5555857, MONDO:0021060.

Submission:

Labcorp Genetics (formerly Invitae), Labcorp
Classification: Uncertain significance for RASopathy. Last evaluated: 2025-09-03. Review status: criteria provided, single submitter. Criteria: Invitae Variant Classification Sherloc (09022015). Collection method: clinical testing. Allele origin: germline.
Comment: This sequence change replaces leucine, which is neutral and non-polar, with isoleucine, which is neutral and non-polar, at codon 544 of the SOS1 protein (p.Leu544Ile). This variant is not present in population databases (gnomAD no frequency). This variant has not been reported in the literature in individuals affected with SOS1-related conditions. Invitae Evidence Modeling of protein sequence and biophysical properties (such as structural, functional, and spatial information, amino acid conservation, physicochemical variation, residue mobility, and thermodynamic stability) has been performed for this missense variant. However, the output from this modeling did not meet the statistical confidence thresholds required to predict the impact of this variant on SOS1 protein function. In summary, the available evidence is currently insufficient to determine the role of this variant in disease. Therefore, it has been classified as a Variant of Uncertain Significance.